The following is an entry in ClinVar:

NM_000059.4(BRCA2):c.8941_8942del (p.Glu2981fs)

Gene: BRCA2 (BRCA2 DNA repair associated; plus strand). Cytogenetic location: 13q13.1.
Variant type: Deletion.
Coding change: c.8941_8942del on transcript NM_000059.4 (MANE Select); coding-DNA positions 8941 to 8942, 2 bases deleted (GA; older notation c.8941_8942delGA).
Protein change: p.Glu2981fs; shifts the reading frame from glutamic acid 2981.
Molecular consequence: frameshift variant.
Genome position (GRCh38, 1-based): chr13:32,379,503-32,379,504, GA deleted; deleting any 2 consecutive bases within chr13:32,379,502-32,379,504 gives the same sequence; the c. name uses the placement nearest the transcript's 3' end. VCF-style (leftmost placement, unchanged base first): chr13-32379501-AAG-A. GRCh37 (hg19) VCF-style: chr13-32953638-AAG-A.
Other names: 9169_9170delGA; short protein forms E2981fs.
Identifiers: ClinVar variation 267119 (VCV000267119.7), dbSNP rs886040803, ClinGen allele CA10589529.
Genomic context (GRCh38, chr13:32,379,501, plus strand): 5'-AAGGTTTATCAAGGGATGTCACAACCGTGTGGAAGTTGCGTATTGTAAGCTATTCAAAAA[AAG>A]AAAAAGATTCAGGTAAGTATGTAAATGCTTTGTTTTTATCAGTTTTATTAACTTAAAAAA-3'

ClinVar aggregate classification (germline): Pathogenic. Review status: reviewed by expert panel (3 of 4 stars). 2 submissions from 2 submitters: Pathogenic (1). 1 of the submissions does not count toward it. Last evaluated 2016-10-18.

Conditions:
Breast-ovarian cancer, familial, susceptibility to, 2 (BROVCA2). Also called: BRCA2 Hereditary Breast and Ovarian Cancer. Identifiers: Orphanet 145, MedGen C2675520, MONDO:0012933, OMIM 612555. Disease mechanism: loss of function.

Submissions (2):

Evidence-based Network for the Interpretation of Germline Mutant Alleles (ENIGMA)
Classification: Pathogenic for Breast-ovarian cancer, familial, susceptibility to, 2. Last evaluated: 2016-10-18. Review status: reviewed by expert panel. Criteria: ENIGMA BRCA1/2 Classification Criteria (2015). Collection method: curation. Allele origin: germline.
Comment: Variant allele predicted to encode a truncated non-functional protein.

Consortium of Investigators of Modifiers of BRCA1/2 (CIMBA), c/o University of Cambridge
Classification: Pathogenic for Breast-ovarian cancer, familial, susceptibility to, 2. Last evaluated: 2015-10-02. Review status: criteria provided, single submitter. Criteria: CIMBA Mutation Classification guidelines May 2016. Collection method: clinical testing. Allele origin: germline. Not counted in ClinVar's aggregate classification.